The following is an entry in ClinVar:

ClinVar aggregate classification (germline): Uncertain significance (1 of 4 stars; one submission).

Conditions:
Aortic aneurysm, familial thoracic 8 (AAT8). Identifiers: MedGen C3809513, MONDO:0014187, OMIM 615436.

Submission:

Labcorp Genetics (formerly Invitae), Labcorp
Classification: Uncertain significance for Aortic aneurysm, familial thoracic 8. Last evaluated: 2020-11-27. Review status: criteria provided, single submitter. Criteria: Invitae Variant Classification Sherloc (09022015). Collection method: clinical testing. Allele origin: germline.
Comment: In summary, the available evidence is currently insufficient to determine the role of this variant in disease. Therefore, it has been classified as a Variant of Uncertain Significance. Algorithms developed to predict the effect of missense changes on protein structure and function are either unavailable or do not agree on the potential impact of this missense change (SIFT: "Deleterious"; PolyPhen-2: "Probably Damaging"; Align-GVGD: "Class C0"). This variant has not been reported in the literature in individuals with PRKG1-related conditions. This variant is not present in population databases (ExAC no frequency). This sequence change replaces tyrosine with cysteine at codon 582 of the PRKG1 protein (p.Tyr582Cys). The tyrosine residue is highly conserved and there is a large physicochemical difference between tyrosine and cysteine.

NM_006258.4(PRKG1):c.1745A>G (p.Tyr582Cys)

Gene: PRKG1 (protein kinase cGMP-dependent 1; plus strand). Cytogenetic location: 10q21.1.
Variant type: single nucleotide variant.
Coding change: c.1745A>G on transcript NM_006258.4 (MANE Select); coding-DNA position 1745, A replaced by G.
Protein change: p.Tyr582Cys; replaces tyrosine 582 with cysteine.
Molecular consequence: missense variant.
Genome position (GRCh38, 1-based): chr10:52,288,761, A>G. VCF-style: chr10-52288761-A-G. GRCh37 (hg19) VCF-style: chr10-54048521-A-G.
Other names: c.1700A>G, p.Tyr567Cys (NM_001098512.3); c.536A>G, p.Tyr179Cys (NM_001374781.1); short protein forms Y582C, Y567C, Y179C.
Identifiers: ClinVar variation 1487061 (VCV001487061.8), dbSNP rs2132460049, ClinGen allele CA376536183.